The following is an entry in ClinVar:

NM_000059.4(BRCA2):c.749T>A (p.Val250Glu)

Gene: BRCA2 (BRCA2 DNA repair associated; plus strand). Cytogenetic location: 13q13.1.
Variant type: single nucleotide variant.
Coding change: c.749T>A on transcript NM_000059.4 (MANE Select); coding-DNA position 749, T replaced by A.
Protein change: p.Val250Glu; replaces valine 250 with glutamic acid.
Molecular consequence: missense variant. On other transcripts: non-coding transcript variant (1).
Genome position (GRCh38, 1-based): chr13:32,330,986, T>A. VCF-style: chr13-32330986-T-A. GRCh37 (hg19) VCF-style: chr13-32905123-T-A.
Other names: c.749T>A, p.Val250Glu (NM_001406719.1, NM_001406720.1, NM_001406721.1 and 1 more transcripts); c.380T>A, p.Val127Glu (NM_001406722.1); short protein forms V127E, V250E.
Identifiers: ClinVar variation 5040619 (VCV005040619.1).

ClinVar aggregate classification (germline): Uncertain significance (1 of 4 stars; one submission).

Submission:

CeGaT Center for Human Genetics Tuebingen
Classification: Uncertain significance. Last evaluated: 2026-08-01. Review status: criteria provided, single submitter. Criteria: CeGaT Center For Human Genetics Tuebingen Variant Classification Criteria Version 2. Collection method: clinical testing. Allele origin: germline. Affected: yes. Observed: 1 variant allele.
Comment: BRCA2: PM2, BP4